The following is an entry in ClinVar:

ClinVar aggregate classification (germline): Likely pathogenic (1 of 4 stars; one submission).

Conditions:
Dilated cardiomyopathy 1G (CMD1G). Identifiers: Orphanet 154, MedGen C1858763, MONDO:0011400, OMIM 604145.
Autosomal recessive limb-girdle muscular dystrophy type 2J (LGMDR10). Also called: MUSCULAR DYSTROPHY, LIMB-GIRDLE, AUTOSOMAL RECESSIVE 10; Limb-girdle muscular dystrophy, type 2J. Identifiers: Orphanet 140922, MedGen C1837342, MONDO:0012127, OMIM 608807.

Submission:

Labcorp Genetics (formerly Invitae), Labcorp
Classification: Likely pathogenic for Dilated cardiomyopathy 1G; Autosomal recessive limb-girdle muscular dystrophy type 2J. Last evaluated: 2024-11-04. Review status: criteria provided, single submitter. Criteria: Invitae Variant Classification Sherloc (09022015). Collection method: clinical testing. Allele origin: germline.
Comment: This sequence change creates a premature translational stop signal (p.Gln1472Lysfs*7) in the TTN gene. While this is not anticipated to result in nonsense mediated decay, it is expected to create a truncated TTN protein. This variant is not present in population databases (gnomAD no frequency). This variant has not been reported in the literature in individuals affected with TTN-related conditions. ClinVar contains an entry for this variant (Variation ID: 1022898). This variant is located in the Z band of TTN (PMID: 25589632). Truncating variants in this region have been reported in individuals affected with autosomal recessive centronuclear myopathy (PMID: 33449170, internal data). Truncating variants in this region have also been identified in individuals affected with autosomal dominant dilated cardiomyopathy and/or cardio-related conditions (PMID: 27869827, 32964742, internal data). In summary, the currently available evidence indicates that the variant is pathogenic, but additional data are needed to prove that conclusively. Therefore, this variant has been classified as Likely Pathogenic.

Literature cited by the submitters: PubMed 25589632; PubMed 33449170; PubMed 27869827; PubMed 32964742.

NM_001267550.2(TTN):c.4413del (p.Gln1472fs)

Genes: TTN (titin; minus strand), LOC101927055 (uncharacterized LOC101927055; plus strand). Cytogenetic location: 2q31.2.
Variant type: Deletion.
Coding change: c.4413del on transcript NM_001267550.2 (MANE Select); coding-DNA position 4413, one base deleted (G; older notation c.4413delG).
Protein change: p.Gln1472fs; shifts the reading frame from glutamine 1472.
Molecular consequence: frameshift variant. On other transcripts: non-coding transcript variant (1).
Genome position (GRCh38, 1-based): chr2:178,777,771, C deleted on the plus strand (G on the coding strand, the reverse complement: TTN is on the minus strand); the first of 3 consecutive C bases (chr2:178,777,771-178,777,773); deleting any one gives the same sequence. VCF-style (leftmost placement, unchanged base first): chr2-178777770-GC-G. GRCh37 (hg19) VCF-style: chr2-179642497-GC-G.
Other names: c.4413del, p.Gln1472fs (NM_001256850.1, NM_133378.4, NM_133379.5); c.4275del, p.Gln1426fs (NM_003319.4, NM_133432.3, NM_133437.4); short protein forms Q1426fs, Q1472fs.
Identifiers: ClinVar variation 1022898 (VCV001022898.9), dbSNP rs2092384255, ClinGen allele CA1310618147.